The following is an entry in ClinVar:

NM_007118.4(TRIO):c.7050C>T (p.Pro2350=)

Gene: TRIO (trio Rho guanine nucleotide exchange factor; plus strand). Cytogenetic location: 5p15.2.
Variant type: single nucleotide variant.
Coding change: c.7050C>T on transcript NM_007118.4 (MANE Select); coding-DNA position 7050, C replaced by T.
Protein change: p.Pro2350=; no amino-acid change (proline 2350 retained).
Molecular consequence: synonymous variant. On other transcripts: non-coding transcript variant (1).
Genome position (GRCh38, 1-based): chr5:14,487,678, C>T. VCF-style: chr5-14487678-C-T. GRCh37 (hg19) VCF-style: chr5-14487787-C-T.
Identifiers: ClinVar variation 3898757 (VCV003898757.7).

ClinVar aggregate classification (germline): Likely benign (1 of 4 stars; one submission).

gnomAD v4.1: 7 of 1,411,816 alleles (0.0005%); highest among the groups gnomAD compares: African/African-American, 0.003%; 1 homozygote.

Submission:

CeGaT Center for Human Genetics Tuebingen
Classification: Likely benign. Last evaluated: 2025-04-01. Review status: criteria provided, single submitter. Criteria: CeGaT Center For Human Genetics Tuebingen Variant Classification Criteria Version 2. Collection method: clinical testing. Allele origin: germline. Affected: yes. Observed: 1 variant allele.
Comment: TRIO: BP4, BP7